The following is an entry in ClinVar:

ClinVar aggregate classification (germline): Uncertain significance. Review status: criteria provided, multiple submitters, no conflicts (2 of 4 stars). 2 submissions from 2 submitters: Uncertain significance (2). Last evaluated 2025-02-04.

Allele frequency attached by ClinVar (database versions not stated): gnomAD exomes 0.00001.
gnomAD v4.1: 11 of 1,614,054 alleles (0.00068%); highest among the groups gnomAD compares: East Asian, 0.0022%; no homozygotes.

Submissions (2):

Labcorp Genetics (formerly Invitae), Labcorp
Classification: Uncertain significance. Last evaluated: 2025-02-04. Review status: criteria provided, single submitter. Criteria: Invitae Variant Classification Sherloc (09022015). Collection method: clinical testing. Allele origin: germline.
Comment: This sequence change replaces valine, which is neutral and non-polar, with methionine, which is neutral and non-polar, at codon 797 of the SLC12A6 protein (p.Val797Met). This variant is present in population databases (no rsID available, gnomAD 0.003%). This variant has not been reported in the literature in individuals affected with SLC12A6-related conditions. ClinVar contains an entry for this variant (Variation ID: 2918415). Invitae Evidence Modeling of protein sequence and biophysical properties (such as structural, functional, and spatial information, amino acid conservation, physicochemical variation, residue mobility, and thermodynamic stability) has been performed for this missense variant. However, the output from this modeling did not meet the statistical confidence thresholds required to predict the impact of this variant on SLC12A6 protein function. In summary, the available evidence is currently insufficient to determine the role of this variant in disease. Therefore, it has been classified as a Variant of Uncertain Significance.

Blueprint Genetics
Classification: Uncertain significance. Last evaluated: 2021-12-09. Review status: criteria provided, single submitter. Criteria: ACMG Guidelines, 2015. Collection method: clinical testing. Allele origin: germline.

NM_001365088.1(SLC12A6):c.2389G>A (p.Val797Met)

Gene: SLC12A6 (solute carrier family 12 member 6; minus strand). Cytogenetic location: 15q14.
Variant type: single nucleotide variant.
Coding change: c.2389G>A on transcript NM_001365088.1 (MANE Select); coding-DNA position 2389, G replaced by A.
Protein change: p.Val797Met; replaces valine 797 with methionine.
Molecular consequence: missense variant.
Genome position (GRCh38, 1-based): chr15:34,240,708, C>T on the plus strand (G>A on the coding strand, the complement: SLC12A6 is on the minus strand). VCF-style: chr15-34240708-C-T. GRCh37 (hg19) VCF-style: chr15-34532909-C-T.
Other names: c.2212G>A, p.Val738Met (NM_001042494.2, NM_001042495.2); c.2362G>A, p.Val788Met (NM_001042496.2); c.2344G>A, p.Val782Met (NM_001042497.2); c.2236G>A, p.Val746Met (NM_005135.2); c.2389G>A, p.Val797Met (NM_133647.2); short protein forms V738M, V782M, V746M, V788M, V797M.
Identifiers: ClinVar variation 2918415 (VCV002918415.4), dbSNP rs1302200388, ClinGen allele CA391619646.